The following is an entry in ClinVar:

ClinVar aggregate classification (germline): Uncertain significance. Review status: criteria provided, multiple submitters, no conflicts (2 of 4 stars). 4 submissions from 4 submitters: Uncertain significance (4). Last evaluated 2024-04-16.

Conditions:
Upshaw-Schulman syndrome (TTP). Also called: Congenital thrombotic thrombocytopenic purpura; THROMBOTIC THROMBOCYTOPENIC PURPURA, HEREDITARY. Identifiers: Orphanet 93583, MedGen C1268935, MONDO:0010122, OMIM 274150.

Allele frequency attached by ClinVar (database versions not stated): TOPMed 0.00008; gnomAD 0.00010; gnomAD exomes 0.00010; ExAC 0.00014.

Submissions (4):

Fulgent Genetics
Classification: Uncertain significance for Upshaw-Schulman syndrome. Last evaluated: 2024-04-16. Review status: criteria provided, single submitter. Criteria: ACMG Guidelines, 2015. Collection method: clinical testing. Allele origin: germline.

Labcorp Genetics (formerly Invitae), Labcorp
Classification: Uncertain significance. Last evaluated: 2023-10-04. Review status: criteria provided, single submitter. Criteria: Invitae Variant Classification Sherloc (09022015). Collection method: clinical testing. Allele origin: germline.
Comment: This sequence change replaces histidine, which is basic and polar, with glutamine, which is neutral and polar, at codon 1196 of the ADAMTS13 protein (p.His1196Gln). This variant is present in population databases (rs782230828, gnomAD 0.02%). This variant has not been reported in the literature in individuals affected with ADAMTS13-related conditions. ClinVar contains an entry for this variant (Variation ID: 1708458). An algorithm developed to predict the effect of missense changes on protein structure and function (PolyPhen-2) suggests that this variant¬†is likely to be tolerated. Experimental studies have shown that this missense change does not substantially affect ADAMTS13 function (PMID: 27802307). In summary, the available evidence is currently insufficient to determine the role of this variant in disease. Therefore, it has been classified as a Variant of Uncertain Significance.

Centre of Medical Genetics, University Hospital Muenster
Classification: Uncertain significance. Last evaluated: 2021-12-15. Review status: criteria provided, single submitter. Criteria: ACMG Guidelines, 2015. Collection method: clinical testing. Allele origin: unknown. Affected: yes. Observed: 1 variant allele, 1 heterozygote.
Comment: ACMG categories: PM1,PM2

Revvity Omics, Revvity
Classification: Uncertain significance for Upshaw-Schulman syndrome. Last evaluated: 2019-11-04. Review status: criteria provided, single submitter. Criteria: ACMG Guidelines, 2015. Collection method: clinical testing. Allele origin: germline.

Literature cited by the submitters: PubMed 27802307 (cited by Labcorp Genetics (formerly Invitae), Labcorp).

NM_139027.6(ADAMTS13):c.3420C>A (p.His1140Gln)

Gene: ADAMTS13 (ADAM metallopeptidase with thrombospondin type 1 motif 13; plus strand). Cytogenetic location: 9q34.2.
Variant type: single nucleotide variant.
Coding change: c.3420C>A on transcript NM_139027.6 (MANE Select); coding-DNA position 3420, C replaced by A.
Protein change: p.His1140Gln; replaces histidine 1140 with glutamine.
Molecular consequence: missense variant. On other transcripts: non-coding transcript variant (1).
Genome position (GRCh38, 1-based): chr9:133,456,088, C>A. VCF-style: chr9-133456088-C-A. GRCh37 (hg19) VCF-style: chr9-136321210-C-A.
Other names: c.3588C>A, p.His1196Gln (NM_139025.5); c.3327C>A, p.His1109Gln (NM_139026.6); short protein forms H1109Q, H1140Q, H1196Q.
Identifiers: ClinVar variation 1708458 (VCV001708458.10), dbSNP rs782230828, ClinGen allele CA200944713.